The following is an entry in ClinVar:

ClinVar aggregate classification (germline): Pathogenic. Review status: criteria provided, multiple submitters, no conflicts (2 of 4 stars). 11 submissions from 11 submitters: Pathogenic (10). 1 of the submissions does not count toward it. Last evaluated 2026-04-22.

Conditions:
AHI1-related disorder. Also called: AHI1-related condition.
Joubert syndrome and related disorders. Identifiers: Orphanet 140874, MedGen C5679612, MONDO:0015369.
Nephronophthisis. Also called: Juvenile Nephronophthisis. Identifiers: Orphanet 655, MedGen C0687120, MONDO:0019005, HP:0000090.
Joubert syndrome 3 (JBTS3). Also called: AHI1-related Ciliopathy. Identifiers: Orphanet 220493, MedGen C1837713, MONDO:0012078, OMIM 608629.
Joubert syndrome. Also called: JOUBERT-BOLTSHAUSER SYNDROME; Familial aplasia of the vermis. Identifiers: Orphanet 475, MedGen C5979921, MONDO:0018772.
Rod-cone dystrophy. Identifiers: MedGen C4551714, HP:0000510.

Allele frequency attached by ClinVar (database versions not stated): ExAC 0.00006; TOPMed 0.00007; gnomAD 0.00012.
gnomAD v4.1: 188 of 1,600,994 alleles (0.012%); highest among the groups gnomAD compares: Non-Finnish European, 0.014%; no homozygotes.

Submissions (11):

PreventionGenetics, part of Exact Sciences
Classification: Pathogenic for AHI1-related condition. Last evaluated: 2026-04-22. Review status: criteria provided, single submitter. Criteria: ACMG Guidelines, 2015. Collection method: clinical testing. Allele origin: germline.
Comment: The AHI1 c.1267C>T variant is predicted to result in premature protein termination (p.Gln423*). This variant has been reported in multiple individuals with Joubert syndrome (see for example, Valente et al. 2006. PubMed ID: 16453322; Table S9, Chaki et al. 2011. PubMed ID: 21866095; Table S5, Bachmann-Gagescu et al. 2015. PubMed ID: 26092869). This variant is reported in 0.014% of alleles in individuals of European (Non-Finnish) descent in gnomAD. Nonsense variants in AHI1 are expected to be pathogenic. This variant is interpreted as pathogenic.

Labcorp Genetics (formerly Invitae), Labcorp
Classification: Pathogenic for Joubert syndrome. Last evaluated: 2025-11-11. Review status: criteria provided, single submitter. Criteria: Invitae Variant Classification Sherloc (09022015). Collection method: clinical testing. Allele origin: germline.
Comment: This sequence change creates a premature translational stop signal (p.Gln423*) in the AHI1 gene. It is expected to result in an absent or disrupted protein product. Loss-of-function variants in AHI1 are known to be pathogenic (PMID: 15322546, 16453322, 28442542, 29186038). This variant is present in population databases (rs777668842, gnomAD 0.01%). This premature translational stop signal has been observed in individuals with Joubert syndrome or Joubert syndrome-related disorders (PMID: 16155189, 16453322, 26092869). ClinVar contains an entry for this variant (Variation ID: 217523). For these reasons, this variant has been classified as Pathogenic.

Blueprint Genetics
Classification: Pathogenic for AHI1-related disorders. Last evaluated: 2024-09-06. Review status: criteria provided, single submitter. Criteria: ACMG Guidelines, 2015. Collection method: clinical testing. Allele origin: germline. Affected: yes. Observed: 5 variant alleles.

Myriad Genetics, Inc.
Classification: Pathogenic for Joubert syndrome 3. Last evaluated: 2024-05-06. Review status: criteria provided, single submitter. Criteria: Myriad Autosomal Dominant, Autosomal Recessive and X-Linked Classification Criteria (2023). Collection method: clinical testing. Allele origin: unknown.
Comment: NM_001134831.1(AHI1):c.1267C>T(Q423*) is expected to be pathogenic in the context of Joubert syndrome, AHI1-related. This variant is predicted to lead to an abnormal or absent protein product due to the creation of a premature termination codon in AHI1, a gene where loss-of-function variants are known to be pathogenic. Please note: this variant was assessed in the context of healthy population screening.

Fulgent Genetics
Classification: Pathogenic for Joubert syndrome 3. Last evaluated: 2024-03-13. Review status: criteria provided, single submitter. Criteria: ACMG Guidelines, 2015. Collection method: clinical testing. Allele origin: germline.

Women's Health and Genetics/Laboratory Corporation of America, LabCorp
Classification: Pathogenic for Joubert syndrome and related disorders. Last evaluated: 2023-06-22. Review status: criteria provided, single submitter. Criteria: LabCorp Variant Classification Summary - May 2015. Collection method: clinical testing. Allele origin: germline.
Comment: Variant summary: AHI1 c.1267C>T (p.Gln423X) results in a premature termination codon, predicted to cause absence of the protein due to nonsense mediated decay, which is a commonly known mechanisms for disease. The variant allele was found at a frequency of 6.5e-05 in 229968 control chromosomes (gnomAD). This frequency is not significantly higher than estimated for a pathogenic variant in AHI1 causing Joubert Syndrome And Related Disorders (6.5e-05 vs 0.0013), allowing no conclusion about variant significance. c.1267C>T has been reported in the literature in individuals affected with Joubert Syndrome And Related Disorders (e.g. Bachmann-Gagescu_2015), including at least one compound heterozygous patient with another pathogenic variant. These data indicate that the variant is very likely to be associated with disease. The following publication has been ascertained in the context of this evaluation (PMID: 26092869). Eight submitters have cited clinical-significance assessments for this variant to ClinVar after 2014, and classified it as pathogenic. Based on the evidence outlined above, the variant was classified as pathogenic.

GeneDx
Classification: Pathogenic. Last evaluated: 2022-01-03. Review status: criteria provided, single submitter. Criteria: GeneDx Variant Classification Process June 2021. Collection method: clinical testing. Allele origin: germline. Affected: yes.
Comment: Nonsense variant predicted to result in protein truncation or nonsense mediated decay in a gene for which loss-of-function is a known mechanism of disease; Not observed at significant frequency in large population cohorts (gnomAD); This variant is associated with the following publications: (PMID: 21866095, 26092869, 28492532, 25525159, 16453322, 16155189, 31963381, 31589614)

Ocular Genomics Institute, Massachusetts Eye and Ear
Classification: Pathogenic for Rod-cone dystrophy. Last evaluated: 2021-04-08. Review status: criteria provided, single submitter. Criteria: ACMG Guidelines, 2015. Collection method: research. Allele origin: germline. Affected: yes.
Comment: Through a review of available evidence we were able to apply the following criteria: PM2, PVS1, PP1, PM3. Based on this evidence we have classified this variant as Pathogenic.

CeGaT Center for Human Genetics Tuebingen
Classification: Pathogenic. Last evaluated: 2017-07-01. Review status: criteria provided, single submitter. Criteria: CeGaT Center For Human Genetics Tuebingen Variant Classification Criteria Version 2. Collection method: clinical testing. Allele origin: germline. Affected: yes. Observed: 1 variant allele.

UW Hindbrain Malformation Research Program, University of Washington
Classification: Pathogenic for Joubert syndrome 3. Last evaluated: 2015-02-23. Review status: criteria provided, single submitter. Criteria: Bachmann-Gagescu et al. (J Med Genet. 2015). Collection method: research. Allele origin: unknown. Affected: yes.

Sydney Genome Diagnostics, Children's Hospital Westmead
Classification: Pathogenic for Nephronophthisis. Last evaluated: 2018-05-03. Review status: no assertion criteria provided. Collection method: clinical testing. Allele origin: unknown. Affected: yes. Observed: 1 variant allele, 1 compound heterozygote. Not counted in ClinVar's aggregate classification.
Comment: Both variants create premature stop codons, p.Gln423*and p.Ser749* respectively, and may result in null alleles due to nonsense-mediated mRNA decay. To our knowledge, these variants have not been reported in population databases (dbSNP, ESP, ExAC) and have not been previously associated with disease. However, other truncating mutations downstream of these amino acids have been described in the literature (Parisi et al, J Med Genet. 2006; 43(4):334-339). Both the c.1267C>T and c.2246C>G variants are considered to be pathogenic according to ACMG guidelines.

Literature cited by the submitters: PubMed 15322546 (cited by Labcorp Genetics (formerly Invitae), Labcorp); PubMed 16453322 (cited by Labcorp Genetics (formerly Invitae), Labcorp); PubMed 28442542 (cited by Labcorp Genetics (formerly Invitae), Labcorp); PubMed 29186038 (cited by Labcorp Genetics (formerly Invitae), Labcorp); PubMed 16155189 (cited by Labcorp Genetics (formerly Invitae), Labcorp); PubMed 26092869 (cited by Labcorp Genetics (formerly Invitae), Labcorp and Women's Health and Genetics/Laboratory Corporation of America, LabCorp).

NM_001134831.2(AHI1):c.1267C>T (p.Gln423Ter)

Gene: AHI1 (Abelson helper integration site 1; minus strand). Cytogenetic location: 6q23.3.
Variant type: single nucleotide variant.
Coding change: c.1267C>T on transcript NM_001134831.2 (MANE Select); coding-DNA position 1267, C replaced by T.
Protein change: p.Gln423Ter; replaces glutamine 423 with a stop codon.
Molecular consequence: nonsense.
Genome position (GRCh38, 1-based): chr6:135,455,811, G>A on the plus strand (C>T on the coding strand, the complement: AHI1 is on the minus strand). VCF-style: chr6-135455811-G-A. GRCh37 (hg19) VCF-style: chr6-135776949-G-A.
Other names: c.1267C>T, p.Gln423Ter (NM_001134830.2, NM_001134832.2, NM_001350503.2 and 2 more transcripts); short protein forms Q423*.
Identifiers: ClinVar variation 217523 (VCV000217523.62), dbSNP rs777668842, ClinGen allele CA339611.